The following is an entry in ClinVar:

ClinVar aggregate classification (germline): Uncertain significance. Review status: criteria provided, multiple submitters, no conflicts (2 of 4 stars). 2 submissions from 2 submitters: Uncertain significance (2). Last evaluated 2025-02-08.

Conditions:
Early-infantile DEE. Also called: Early infantile epileptic encephalopathy with suppression bursts; Ohtahara syndrome; Early infantile epileptic encephalopathy. Identifiers: Orphanet 1934, MedGen C0393706, MONDO:0800491.

Allele frequency attached by ClinVar (database versions not stated): TOPMed 0.00001.
gnomAD v4.1: 6 of 1,602,762 alleles (0.00037%); highest among the groups gnomAD compares: Non-Finnish European, 0.00042%; no homozygotes.

Submissions (2):

Ambry Genetics
Classification: Uncertain significance. Last evaluated: 2025-02-08. Review status: criteria provided, single submitter. Criteria: Ambry Variant Classification Scheme 2023. Collection method: clinical testing. Allele origin: germline.

Labcorp Genetics (formerly Invitae), Labcorp
Classification: Uncertain significance for Early-infantile DEE. Last evaluated: 2023-08-30. Review status: criteria provided, single submitter. Criteria: Invitae Variant Classification Sherloc (09022015). Collection method: clinical testing. Allele origin: germline.
Comment: This sequence change replaces leucine, which is neutral and non-polar, with proline, which is neutral and non-polar, at codon 563 of the ARHGEF15 protein (p.Leu563Pro). This variant is present in population databases (no rsID available, gnomAD 0.0008%). This variant has not been reported in the literature in individuals affected with ARHGEF15-related conditions. ClinVar contains an entry for this variant (Variation ID: 1004439). An algorithm developed to predict the effect of missense changes on protein structure and function (PolyPhen-2) suggests that this variant is likely to be disruptive. In summary, the available evidence is currently insufficient to determine the role of this variant in disease. Therefore, it has been classified as a Variant of Uncertain Significance.

NM_173728.4(ARHGEF15):c.1688T>C (p.Leu563Pro)

Gene: ARHGEF15 (Rho guanine nucleotide exchange factor 15; plus strand). Cytogenetic location: 17p13.1.
Variant type: single nucleotide variant.
Coding change: c.1688T>C on transcript NM_173728.4 (MANE Select); coding-DNA position 1688, T replaced by C.
Protein change: p.Leu563Pro; replaces leucine 563 with proline.
Molecular consequence: missense variant.
Genome position (GRCh38, 1-based): chr17:8,316,132, T>C. VCF-style: chr17-8316132-T-C. GRCh37 (hg19) VCF-style: chr17-8219450-T-C.
Other names: c.1688T>C (NM_173728.3); c.1688T>C, p.Leu563Pro (NM_025014.2); short protein forms L563P.
Identifiers: ClinVar variation 1004439 (VCV001004439.12), dbSNP rs1373978799, ClinGen allele CA398021489.